The following is an entry in ClinVar:

NM_005060.4(RORC):c.634G>C (p.Glu212Gln)

Gene: RORC (RAR related orphan receptor C; minus strand). Cytogenetic location: 1q21.3.
Variant type: single nucleotide variant.
Coding change: c.634G>C on transcript NM_005060.4 (MANE Select); coding-DNA position 634, G replaced by C.
Protein change: p.Glu212Gln; replaces glutamic acid 212 with glutamine.
Molecular consequence: missense variant.
Genome position (GRCh38, 1-based): chr1:151,815,090, C>G on the plus strand (G>C on the coding strand, the complement: RORC is on the minus strand). VCF-style: chr1-151815090-C-G. GRCh37 (hg19) VCF-style: chr1-151787566-C-G.
Other names: c.571G>C, p.Glu191Gln (NM_001001523.2); short protein forms E191Q, E212Q.
Identifiers: ClinVar variation 3726439 (VCV003726439.2).
Genomic context (GRCh38, chr1:151,815,090, plus strand): 5'-GAAGTCCACATCGGTCAGGGGTCAGCTGGCTGCCTGTGCTATAGAAGCTCTCTCTGCCCT[C>G]AGCCTTGCCCCGCTCAGGGCTGTATTCAAGGTGGCATGAGGCCCCATTGAGCCCTGCCTT-3'
Protein context (NP_005051.2, residues 202-222): LEYSPERGKA[Glu212Gln]GRESFYSTGS

ClinVar aggregate classification (germline): Uncertain significance (1 of 4 stars; one submission).

Conditions:
Autosomal recessive mendelian susceptibility to mycobacterial diseases due to complete RORgamma receptor deficiency. Also called: Immunodeficiency 42. Identifiers: Orphanet 477857, MedGen C5567647, MONDO:0014710, OMIM 616622.

Submission:

Labcorp Genetics (formerly Invitae), Labcorp
Classification: Uncertain significance for Autosomal recessive mendelian susceptibility to mycobacterial diseases due to complete RORgamma receptor deficiency. Last evaluated: 2024-11-30. Review status: criteria provided, single submitter. Criteria: Invitae Variant Classification Sherloc (09022015). Collection method: clinical testing. Allele origin: germline.
Comment: This sequence change replaces glutamic acid, which is acidic and polar, with glutamine, which is neutral and polar, at codon 212 of the RORC protein (p.Glu212Gln). This variant is not present in population databases (gnomAD no frequency). This variant has not been reported in the literature in individuals affected with RORC-related conditions. An algorithm developed to predict the effect of missense changes on protein structure and function (PolyPhen-2) suggests that this variant is likely to be tolerated. In summary, the available evidence is currently insufficient to determine the role of this variant in disease. Therefore, it has been classified as a Variant of Uncertain Significance.